The following is an entry in ClinVar:

ClinVar aggregate classification (germline): Uncertain significance (1 of 4 stars; one submission).

Conditions:
Werner syndrome (WRN). Identifiers: Orphanet 902, MedGen C0043119, MONDO:0010196, OMIM 277700.

Submission:

Labcorp Genetics (formerly Invitae), Labcorp
Classification: Uncertain significance for Werner syndrome. Last evaluated: 2019-02-01. Review status: criteria provided, single submitter. Criteria: Invitae Variant Classification Sherloc (09022015). Collection method: clinical testing. Allele origin: germline.
Comment: In summary, the available evidence is currently insufficient to determine the role of this variant in disease. Therefore, it has been classified as a Variant of Uncertain Significance. Algorithms developed to predict the effect of missense changes on protein structure and function are either unavailable or do not agree on the potential impact of this missense change (SIFT: "Tolerated"; PolyPhen-2: "Possibly Damaging"; Align-GVGD: "Class CO"). This variant has not been reported in the literature in individuals with WRN-related conditions. This variant is not present in population databases (ExAC no frequency). This sequence change replaces serine with threonine at codon 56 of the WRN protein (p.Ser56Thr). The serine residue is moderately conserved and there is a small physicochemical difference between serine and threonine.

NM_000553.6(WRN):c.167G>C (p.Ser56Thr)

Gene: WRN (WRN RecQ like helicase; plus strand). Cytogenetic location: 8p12.
Variant type: single nucleotide variant.
Coding change: c.167G>C on transcript NM_000553.6 (MANE Select); coding-DNA position 167, G replaced by C.
Protein change: p.Ser56Thr; replaces serine 56 with threonine.
Molecular consequence: missense variant.
Genome position (GRCh38, 1-based): chr8:31,059,223, G>C. VCF-style: chr8-31059223-G-C. GRCh37 (hg19) VCF-style: chr8-30916739-G-C.
Other names: short protein forms S56T.
Identifiers: ClinVar variation 845419 (VCV000845419.5), dbSNP rs1812390980, ClinGen allele CA370912583.
Genomic context (GRCh38, chr8:31,059,223, plus strand): 5'-GGAAGAGTGTTTTTGAAGATGACCTCCCCTTCTTAGAATTCACTGGATCCATTGTGTATA[G>C]TTACGATGCTAGTGATTGCTCTTTCCTGTCAGAAGATATTAGGTAAGTGATTTGAATTTC-3'
Protein context (NP_000544.2, residues 46-66): FLEFTGSIVY[Ser56Thr]YDASDCSFLS